The following is an entry in ClinVar:

NM_003835.4(RGS9):c.1310G>A (p.Arg437Gln)

Gene: RGS9 (regulator of G protein signaling 9; plus strand). Cytogenetic location: 17q24.1.
Variant type: single nucleotide variant.
Coding change: c.1310G>A on transcript NM_003835.4 (MANE Select); coding-DNA position 1310, G replaced by A.
Protein change: p.Arg437Gln; replaces arginine 437 with glutamine.
Molecular consequence: missense variant.
Genome position (GRCh38, 1-based): chr17:65,210,508, G>A. VCF-style: chr17-65210508-G-A. GRCh37 (hg19) VCF-style: chr17-63206626-G-A.
Other names: c.1301G>A, p.Arg434Gln (NM_001081955.3, NM_001165933.2); short protein forms R437Q, R434Q.
Identifiers: ClinVar variation 1363036 (VCV001363036.4), dbSNP rs775121915, ClinGen allele CA8718004.

ClinVar aggregate classification (germline): Uncertain significance. Review status: criteria provided, multiple submitters, no conflicts (2 of 4 stars). 2 submissions from 2 submitters: Uncertain significance (2). Last evaluated 2022-07-12.

Allele frequency attached by ClinVar (database versions not stated): gnomAD 0.00001; gnomAD exomes 0.00001 and 0.00002; ExAC 0.00003; TOPMed 0.00003.
gnomAD v4.1: 14 of 1,613,360 alleles (0.00087%); highest among the groups gnomAD compares: African/African-American, 0.0027%; no homozygotes.

Submissions (2):

Labcorp Genetics (formerly Invitae), Labcorp
Classification: Uncertain significance. Last evaluated: 2022-07-12. Review status: criteria provided, single submitter. Criteria: Invitae Variant Classification Sherloc (09022015). Collection method: clinical testing. Allele origin: germline.
Comment: This sequence change replaces arginine, which is basic and polar, with glutamine, which is neutral and polar, at codon 437 of the RGS9 protein (p.Arg437Gln). This variant is present in population databases (rs775121915, gnomAD 0.007%). This variant has not been reported in the literature in individuals affected with RGS9-related conditions. ClinVar contains an entry for this variant (Variation ID: 1363036). Algorithms developed to predict the effect of missense changes on protein structure and function are either unavailable or do not agree on the potential impact of this missense change (SIFT: "Deleterious"; PolyPhen-2: "Probably Damaging"; Align-GVGD: "Class C0"). Algorithms developed to predict the effect of sequence changes on RNA splicing suggest that this variant may create or strengthen a splice site. In summary, the available evidence is currently insufficient to determine the role of this variant in disease. Therefore, it has been classified as a Variant of Uncertain Significance.

Blueprint Genetics
Classification: Uncertain significance. Last evaluated: 2022-02-24. Review status: criteria provided, single submitter. Criteria: ACMG Guidelines, 2015. Collection method: clinical testing. Allele origin: germline.